The following is an entry in ClinVar:

NM_000264.5(PTCH1):c.137A>C (p.Asp46Ala)

Genes: PTCH1 (patched 1; minus strand), LOC130002133 (ATAC-STARR-seq lymphoblastoid silent region 20071; plus strand). Cytogenetic location: 9q22.32.
Variant type: single nucleotide variant.
Coding change: c.137A>C on transcript NM_000264.5 (MANE Select); coding-DNA position 137, A replaced by C.
Protein change: p.Asp46Ala; replaces aspartic acid 46 with alanine.
Molecular consequence: missense variant. On other transcripts: non-coding transcript variant (1), intron variant (3).
Genome position (GRCh38, 1-based): chr9:95,508,225, T>G on the plus strand (A>C on the coding strand, the complement: PTCH1 is on the minus strand). VCF-style: chr9-95508225-T-G. GRCh37 (hg19) VCF-style: chr9-98270507-T-G.
Other names: c.137A>C, p.Asp46Ala (NM_001354918.2); c.199-1626A>C (NM_001083603.3); c.4-1626A>C (NM_001083602.3, NM_001354919.2); short protein forms D46A.
Identifiers: ClinVar variation 652698 (VCV000652698.11), dbSNP rs1587700483, ClinGen allele CA374121370.

ClinVar aggregate classification (germline): Uncertain significance. Review status: criteria provided, multiple submitters, no conflicts (2 of 4 stars). 2 submissions from 2 submitters: Uncertain significance (2). Last evaluated 2025-05-04.

Conditions:
Hereditary cancer-predisposing syndrome. Also called: Hereditary Cancer Syndrome; Tumor predisposition; Neoplastic Syndromes, Hereditary; Hereditary neoplastic syndrome. Identifiers: Orphanet 140162, MedGen C0027672, MeSH D009386, MONDO:0015356.
Gorlin syndrome. Also called: Basal cell nevus syndrome; Nevoid Basal Cell Carcinoma Syndrome. Identifiers: Orphanet 377, MedGen C0004779, MONDO:0007187.

Submissions (2):

Ambry Genetics
Classification: Uncertain significance for Hereditary cancer-predisposing syndrome. Last evaluated: 2025-05-04. Review status: criteria provided, single submitter. Criteria: Ambry Variant Classification Scheme 2023. Collection method: clinical testing. Allele origin: germline.
Comment: The p.D46A variant (also known as c.137A>C), located in coding exon 1 of the PTCH1 gene, results from an A to C substitution at nucleotide position 137. The aspartic acid at codon 46 is replaced by alanine, an amino acid with dissimilar properties. This amino acid position is conserved. In addition, the in silico prediction for this alteration is inconclusive. Since supporting evidence is limited at this time, the clinical significance of this alteration remains unclear.

Labcorp Genetics (formerly Invitae), Labcorp
Classification: Uncertain significance for Gorlin syndrome. Last evaluated: 2023-09-23. Review status: criteria provided, single submitter. Criteria: Invitae Variant Classification Sherloc (09022015). Collection method: clinical testing. Allele origin: germline.
Comment: This sequence change replaces aspartic acid, which is acidic and polar, with alanine, which is neutral and non-polar, at codon 46 of the PTCH1 protein (p.Asp46Ala). This variant is not present in population databases (gnomAD no frequency). This variant has not been reported in the literature in individuals affected with PTCH1-related conditions. ClinVar contains an entry for this variant (Variation ID: 652698). Advanced modeling of protein sequence and biophysical properties (such as structural, functional, and spatial information, amino acid conservation, physicochemical variation, residue mobility, and thermodynamic stability) performed at Invitae indicates that this missense variant is not expected to disrupt PTCH1 protein function. In summary, the available evidence is currently insufficient to determine the role of this variant in disease. Therefore, it has been classified as a Variant of Uncertain Significance.